The following is an entry in ClinVar:

ClinVar aggregate classification (germline): Likely pathogenic. Review status: criteria provided, single submitter (1 of 4 stars). 2 submissions from 2 submitters: Likely pathogenic (1). 1 of the submissions does not count toward it. Last evaluated 2021-04-20.

Conditions:
Oocyte maturation defect 8. Also called: OOCYTE/ZYGOTE/EMBRYO MATURATION ARREST 8. Identifiers: MedGen C5436597, MONDO:0033564, OMIM 619009.

Allele frequency attached by ClinVar (database versions not stated): TOPMed below 0.00001; gnomAD 0.00001.
gnomAD v4.1: 1 of 1,612,284 alleles (0.000062%); highest among the groups gnomAD compares: African/African-American, 0.0013%; no homozygotes.

Submissions (2):

SIB Swiss Institute of Bioinformatics
Classification: Likely pathogenic for Oocyte maturation defect 8. Last evaluated: 2021-04-20. Review status: criteria provided, single submitter. Criteria: ACMG Guidelines, 2015. Collection method: curation. Allele origin: unknown.
Comment: This variant is interpreted as likely pathogenic for Oocyte maturation defect 8, autosomal recessive. The following ACMG Tag(s) were applied: Absent from controls (or at extremely low frequency if recessive) in Exome Sequencing Project, 1000 Genomes Project, or Exome Aggregation Consortium (PM2); Multiple lines of computational evidence support a deleterious effect on the gene or gene product (PP3); Well-established functional studies show a deleterious effect (PS3).

OMIM
Classification: Pathogenic for OOCYTE/ZYGOTE/EMBRYO MATURATION ARREST 8. Last evaluated: 2023-04-10. Review status: no assertion criteria provided. Collection method: literature only. Allele origin: germline. Not counted in ClinVar's aggregate classification.

Literature cited by the submitters: PubMed 32502391 (cited by SIB Swiss Institute of Bioinformatics and OMIM).

NM_001367975.1(BTG4):c.166G>A (p.Ala56Thr)

Gene: BTG4 (BTG anti-proliferation factor 4; minus strand). Cytogenetic location: 11q23.1.
Variant type: single nucleotide variant.
Coding change: c.166G>A on transcript NM_001367975.1 (MANE Select); coding-DNA position 166, G replaced by A.
Protein change: p.Ala56Thr; replaces alanine 56 with threonine.
Molecular consequence: missense variant.
Genome position (GRCh38, 1-based): chr11:111,498,611, C>T on the plus strand (G>A on the coding strand, the complement: BTG4 is on the minus strand). VCF-style: chr11-111498611-C-T. GRCh37 (hg19) VCF-style: chr11-111369336-C-T.
Other names: c.166G>A, p.Ala56Thr (NM_001367974.1, NM_001367976.1, NM_017589.4); short protein forms A56T.
Identifiers: ClinVar variation 977514 (VCV000977514.3), dbSNP rs1865879702, ClinGen allele CA382580832.